The following is an entry in ClinVar:

NM_144991.3(TSPEAR):c.1414G>A (p.Ala472Thr)

Gene: TSPEAR (thrombospondin type laminin G domain and EAR repeats; minus strand). Cytogenetic location: 21q22.3.
Variant type: single nucleotide variant.
Coding change: c.1414G>A on transcript NM_144991.3 (MANE Select); coding-DNA position 1414, G replaced by A.
Protein change: p.Ala472Thr; replaces alanine 472 with threonine.
Molecular consequence: missense variant.
Genome position (GRCh38, 1-based): chr21:44,522,035, C>T on the plus strand (G>A on the coding strand, the complement: TSPEAR is on the minus strand). VCF-style: chr21-44522035-C-T. GRCh37 (hg19) VCF-style: chr21-45941918-C-T.
Other names: c.1210G>A, p.Ala404Thr (NM_001272037.2); short protein forms A472T, A404T.
Identifiers: ClinVar variation 2407048 (VCV002407048.3), dbSNP rs587722456, ClinGen allele CA10056582.

ClinVar aggregate classification (germline): Uncertain significance. Review status: criteria provided, multiple submitters, no conflicts (2 of 4 stars). 2 submissions from 2 submitters: Uncertain significance (2). Last evaluated 2025-07-22.

Conditions:
Inborn genetic diseases. Identifiers: MedGen C0950123, MeSH D030342.

Allele frequency attached by ClinVar (database versions not stated): TOPMed 0.00001; gnomAD 0.00003; gnomAD exomes 0.00003; ExAC 0.00007; 1000 Genomes Project 30x 0.00031; 1000 Genomes Project 0.00040.
gnomAD v4.1: 53 of 1,614,060 alleles (0.0033%); highest among the groups gnomAD compares: South Asian, 0.046%; no homozygotes.

Submissions (2):

GeneDx
Classification: Uncertain significance. Last evaluated: 2025-07-22. Review status: criteria provided, single submitter. Criteria: GeneDx Variant Classification Process June 2021. Collection method: clinical testing. Allele origin: germline. Affected: yes.
Comment: In silico analysis suggests that this missense variant does not alter protein structure/function; Has not been previously published as pathogenic or benign to our knowledge

Ambry Genetics
Classification: Uncertain significance for Inborn genetic diseases. Last evaluated: 2021-06-23. Review status: criteria provided, single submitter. Criteria: Ambry Variant Classification Scheme 2023. Collection method: clinical testing. Allele origin: germline.